The following is an entry in ClinVar:

ClinVar aggregate classification (germline): Uncertain significance (1 of 4 stars; one submission).

Submission:

Labcorp Genetics (formerly Invitae), Labcorp
Classification: Uncertain significance. Last evaluated: 2025-01-29. Review status: criteria provided, single submitter. Criteria: Invitae Variant Classification Sherloc (09022015). Collection method: clinical testing. Allele origin: germline.
Comment: This sequence change replaces proline, which is neutral and non-polar, with alanine, which is neutral and non-polar, at codon 1326 of the COL2A1 protein (p.Pro1326Ala). This variant is not present in population databases (gnomAD no frequency). This variant has not been reported in the literature in individuals affected with COL2A1-related conditions. ClinVar contains an entry for this variant (Variation ID: 1976287). Invitae Evidence Modeling of protein sequence and biophysical properties (such as structural, functional, and spatial information, amino acid conservation, physicochemical variation, residue mobility, and thermodynamic stability) indicates that this missense variant is not expected to disrupt COL2A1 protein function with a negative predictive value of 95%. In summary, the available evidence is currently insufficient to determine the role of this variant in disease. Therefore, it has been classified as a Variant of Uncertain Significance.

NM_001844.5(COL2A1):c.3976C>G (p.Pro1326Ala)

Gene: COL2A1 (collagen type II alpha 1 chain; minus strand). Cytogenetic location: 12q13.11.
Variant type: single nucleotide variant.
Coding change: c.3976C>G on transcript NM_001844.5 (MANE Select); coding-DNA position 3976, C replaced by G.
Protein change: p.Pro1326Ala; replaces proline 1326 with alanine.
Molecular consequence: missense variant.
Genome position (GRCh38, 1-based): chr12:47,974,773, G>C on the plus strand (C>G on the coding strand, the complement: COL2A1 is on the minus strand). VCF-style: chr12-47974773-G-C. GRCh37 (hg19) VCF-style: chr12-48368556-G-C.
Other names: c.3769C>G, p.Pro1257Ala (NM_033150.3); short protein forms P1326A, P1257A.
Identifiers: ClinVar variation 1976287 (VCV001976287.5), dbSNP rs1254282445, ClinGen allele CA384535811.